The following is an entry in ClinVar:

ClinVar aggregate classification (germline): Uncertain significance. Review status: criteria provided, multiple submitters, no conflicts (2 of 4 stars). 7 submissions from 7 submitters: Uncertain significance (4). 3 of the submissions do not count toward it. Last evaluated 2026-03-27.

Conditions:
FLNC-related myofibrillar myopathy.
Hypertrophic cardiomyopathy 26. Also called: Cardiomyopathy, familial hypertrophic, 26. Identifiers: Orphanet 75249, MedGen C4310749, MONDO:0014883, OMIM 617047.
Distal myopathy with posterior leg and anterior hand involvement. Also called: WILLIAMS DISTAL MYOPATHY. Identifiers: Orphanet 63273, MedGen C3279722, MONDO:0013550, OMIM 614065.
Myofibrillar myopathy 5. Also called: Filaminopathy (type); FILAMINOPATHY, AUTOSOMAL DOMINANT. Identifiers: Orphanet 171445, MedGen C1836050, MONDO:0012289, OMIM 609524.
Cardiovascular phenotype. Identifiers: MedGen CN230736.

Allele frequency attached by ClinVar (database versions not stated): TOPMed 0.00002; gnomAD 0.00003 and 0.00002; ExAC 0.00003; gnomAD exomes 0.00003.

Submissions (7):

Molecular Diagnostic Laboratory for Inherited Cardiovascular Disease, Montreal Heart Institute
Classification: Uncertain significance for Cardiovascular phenotype. Last evaluated: 2026-03-27. Review status: criteria provided, single submitter. Criteria: ACMG Guidelines, 2015. Collection method: clinical testing. Allele origin: germline. Affected: yes.
Comment: PM2

Labcorp Genetics (formerly Invitae), Labcorp
Classification: Uncertain significance for Distal myopathy with posterior leg and anterior hand involvement; Myofibrillar myopathy 5; Hypertrophic cardiomyopathy 26. Last evaluated: 2025-12-24. Review status: criteria provided, single submitter. Criteria: Invitae Variant Classification Sherloc (09022015). Collection method: clinical testing. Allele origin: germline.
Comment: This sequence change replaces valine, which is neutral and non-polar, with isoleucine, which is neutral and non-polar, at codon 831 of the FLNC protein (p.Val831Ile). This variant is present in population databases (rs746478952, gnomAD 0.004%). This missense change has been observed in individuals with FLNC-related conditions (internal data). ClinVar contains an entry for this variant (Variation ID: 539436). Invitae Evidence Modeling of protein sequence and biophysical properties (such as structural, functional, and spatial information, amino acid conservation, physicochemical variation, residue mobility, and thermodynamic stability) has been performed for this missense variant. However, the output from this modeling did not meet the statistical confidence thresholds required to predict the impact of this variant on FLNC protein function. In summary, the available evidence is currently insufficient to determine the role of this variant in disease. Therefore, it has been classified as a Variant of Uncertain Significance.

Ambry Genetics
Classification: Uncertain significance for Cardiovascular phenotype. Last evaluated: 2025-11-26. Review status: criteria provided, single submitter. Criteria: Ambry Variant Classification Scheme 2023. Collection method: clinical testing. Allele origin: germline.
Comment: The p.V831I variant (also known as c.2491G>A), located in coding exon 16 of the FLNC gene, results from a G to A substitution at nucleotide position 2491. The valine at codon 831 is replaced by isoleucine, an amino acid with highly similar properties. This variant has been detected in an individual with frontotemporal dementia (Janssens J et al. Acta Neuropathol Commun, 2015 Nov;3:68). This variant was reported in individual(s) with features consistent with cardiomyopathy (Smith E et al. J Am Heart Assoc, 2022 May;11:e024501). This amino acid position is highly conserved in available vertebrate species. In addition, the in silico prediction for this alteration is inconclusive. Based on the available evidence, the clinical significance of this variant remains unclear.

Dasa
Classification: Uncertain significance for FLNC-related myofibrillar myopathy. Last evaluated: 2025-07-19. Review status: criteria provided, single submitter. Criteria: DASA Assertion Criteria. Collection method: clinical testing. Allele origin: germline.
Comment: NM_001458.5(FLNC):c.2491G>A (p.Val831Ile) is a missense variant that results in the substitution of valine with isoleucine. This variant is rare in population databases. The currently available literature and clinical evidence are not sufficient to establish a definitive association between this variant and the reported condition. Therefore, this variant is classified as a variant of uncertain significance.

Clinical Genetics, Academic Medical Center
Classification: Uncertain significance. Review status: no assertion criteria provided. Collection method: clinical testing. Allele origin: germline. Affected: yes. Study: VKGL Data-share Consensus. Not counted in ClinVar's aggregate classification.

Diagnostic Laboratory, Department of Genetics, University Medical Center Groningen
Classification: Uncertain significance. Review status: no assertion criteria provided. Collection method: clinical testing. Allele origin: germline. Affected: yes. Study: VKGL Data-share Consensus. Not counted in ClinVar's aggregate classification.

Laboratory of Diagnostic Genome Analysis, Leiden University Medical Center (LUMC)
Classification: Uncertain significance. Review status: no assertion criteria provided. Collection method: clinical testing. Allele origin: germline. Affected: yes. Study: VKGL Data-share Consensus. Not counted in ClinVar's aggregate classification.

Literature cited by the submitters: PubMed 26555887 (cited by Ambry Genetics); PubMed 35470680 (cited by Ambry Genetics).

NM_001458.5(FLNC):c.2491G>A (p.Val831Ile)

Gene: FLNC (filamin C; plus strand). Cytogenetic location: 7q32.1.
Variant type: single nucleotide variant.
Coding change: c.2491G>A on transcript NM_001458.5 (MANE Select); coding-DNA position 2491, G replaced by A.
Protein change: p.Val831Ile; replaces valine 831 with isoleucine.
Molecular consequence: missense variant.
Genome position (GRCh38, 1-based): chr7:128,842,895, G>A. VCF-style: chr7-128842895-G-A. GRCh37 (hg19) VCF-style: chr7-128482949-G-A.
Other names: c.2491G>A, p.Val831Ile (NM_001127487.2); short protein forms V831I.
Identifiers: ClinVar variation 539436 (VCV000539436.18), dbSNP rs746478952, ClinGen allele CA4474745.